The following is an entry in ClinVar:

NM_014043.4(CHMP2B):c.374T>C (p.Met125Thr)

Gene: CHMP2B (charged multivesicular body protein 2B; plus strand). Cytogenetic location: 3p11.2.
Variant type: single nucleotide variant.
Coding change: c.374T>C on transcript NM_014043.4 (MANE Select); coding-DNA position 374, T replaced by C.
Protein change: p.Met125Thr; replaces methionine 125 with threonine.
Molecular consequence: missense variant.
Genome position (GRCh38, 1-based): chr3:87,249,927, T>C. VCF-style: chr3-87249927-T-C. GRCh37 (hg19) VCF-style: chr3-87299077-T-C.
Other names: c.251T>C, p.Met84Thr (NM_001244644.2); c.470T>C, p.Met157Thr (NM_001410777.1); short protein forms M125T, M157T, M84T.
Identifiers: ClinVar variation 2636665 (VCV002636665.2), dbSNP rs770307338, ClinGen allele CA2500976.

ClinVar aggregate classification (germline): Uncertain significance (1 of 4 stars; one submission).

Conditions:
CHMP2B-related disorder. Also called: CHMP2B-related condition.

Allele frequency attached by ClinVar (database versions not stated): ExAC 0.00001; gnomAD exomes 0.00001.

Submission:

PreventionGenetics, part of Exact Sciences
Classification: Uncertain significance for CHMP2B-related condition. Last evaluated: 2025-09-16. Review status: criteria provided, single submitter. Criteria: ACMG Guidelines, 2015. Collection method: clinical testing. Allele origin: germline.
Comment: The CHMP2B c.374T>C variant is predicted to result in the amino acid substitution p.Met125Thr. To our knowledge, this variant has not been reported in the literature. This variant is reported in 0.0058% of alleles in individuals of Latino descent in gnomAD. At this time, the clinical significance of this variant is uncertain due to the absence of conclusive functional and genetic evidence.